The following is an entry in ClinVar:

ClinVar aggregate classification (germline): Uncertain significance. Review status: criteria provided, multiple submitters, no conflicts (2 of 4 stars). 2 submissions from 2 submitters: Uncertain significance (2). Last evaluated 2024-08-07.

Conditions:
Hereditary cancer-predisposing syndrome. Also called: Hereditary neoplastic syndrome; Neoplastic Syndromes, Hereditary; Hereditary Cancer Syndrome; Tumor predisposition. Identifiers: Orphanet 140162, MedGen C0027672, MeSH D009386, MONDO:0015356.

Submissions (2):

Labcorp Genetics (formerly Invitae), Labcorp
Classification: Uncertain significance. Last evaluated: 2024-08-07. Review status: criteria provided, single submitter. Criteria: Invitae Variant Classification Sherloc (09022015). Collection method: clinical testing. Allele origin: germline.
Comment: This sequence change replaces isoleucine, which is neutral and non-polar, with valine, which is neutral and non-polar, at codon 723 of the MSH3 protein (p.Ile723Val). This variant is not present in population databases (gnomAD no frequency). This variant has not been reported in the literature in individuals affected with MSH3-related conditions. ClinVar contains an entry for this variant (Variation ID: 659710). An algorithm developed to predict the effect of missense changes on protein structure and function (PolyPhen-2) suggests that this variant is likely to be tolerated. In summary, the available evidence is currently insufficient to determine the role of this variant in disease. Therefore, it has been classified as a Variant of Uncertain Significance.

Ambry Genetics
Classification: Uncertain significance for Hereditary cancer-predisposing syndrome. Last evaluated: 2022-12-19. Review status: criteria provided, single submitter. Criteria: Ambry Variant Classification Scheme 2023. Collection method: clinical testing. Allele origin: germline.
Comment: The p.I723V variant (also known as c.2167A>G), located in coding exon 15 of the MSH3 gene, results from an A to G substitution at nucleotide position 2167. The isoleucine at codon 723 is replaced by valine, an amino acid with highly similar properties. In addition, this alteration is predicted to be tolerated by in silico analysis. Since supporting evidence is limited at this time, the clinical significance of this alteration remains unclear.

NM_002439.5(MSH3):c.2167A>G (p.Ile723Val)

Gene: MSH3 (mutS homolog 3; plus strand). Cytogenetic location: 5q14.1.
Variant type: single nucleotide variant.
Coding change: c.2167A>G on transcript NM_002439.5 (MANE Select); coding-DNA position 2167, A replaced by G.
Protein change: p.Ile723Val; replaces isoleucine 723 with valine.
Molecular consequence: missense variant.
Genome position (GRCh38, 1-based): chr5:80,768,917, A>G. VCF-style: chr5-80768917-A-G. GRCh37 (hg19) VCF-style: chr5-80064736-A-G.
Other names: c.2167A>G (NM_002439.3); short protein forms I723V.
Identifiers: ClinVar variation 659710 (VCV000659710.10), dbSNP rs1580034928, ClinGen allele CA360279480.